The following is an entry in ClinVar:

ClinVar aggregate classification (germline): Uncertain significance (1 of 4 stars; one submission).

Conditions:
Atrioventricular septal defect 4 (AVSD4). Identifiers: MedGen C3280781, MONDO:0013747, OMIM 614430.

Allele frequency attached by ClinVar (database versions not stated): gnomAD exomes below 0.00001.
gnomAD v4.1: 1 of 1,614,246 alleles (0.000062%); highest among the groups gnomAD compares: East Asian, 0.0022%; no homozygotes.

Submission:

Labcorp Genetics (formerly Invitae), Labcorp
Classification: Uncertain significance for Atrioventricular septal defect 4. Last evaluated: 2023-10-22. Review status: criteria provided, single submitter. Criteria: Invitae Variant Classification Sherloc (09022015). Collection method: clinical testing. Allele origin: germline.
Comment: This sequence change replaces serine, which is neutral and polar, with leucine, which is neutral and non-polar, at codon 212 of the GATA4 protein (p.Ser212Leu). This variant is present in population databases (no rsID available, gnomAD 0.006%). This variant has not been reported in the literature in individuals affected with GATA4-related conditions. Advanced modeling of protein sequence and biophysical properties (such as structural, functional, and spatial information, amino acid conservation, physicochemical variation, residue mobility, and thermodynamic stability) performed at Invitae indicates that this missense variant is not expected to disrupt GATA4 protein function. In summary, the available evidence is currently insufficient to determine the role of this variant in disease. Therefore, it has been classified as a Variant of Uncertain Significance.

NM_001308093.3(GATA4):c.638C>T (p.Ser213Leu)

Gene: GATA4 (GATA binding protein 4). Cytogenetic location: 8p23.1.
Variant type: single nucleotide variant.
Coding change: c.638C>T on transcript NM_001308093.3 (MANE Select); coding-DNA position 638, C replaced by T.
Protein change: p.Ser213Leu; replaces serine 213 with leucine.
Molecular consequence: missense variant.
Genome position (GRCh38, 1-based): chr8:11,748,937, C>T. VCF-style: chr8-11748937-C-T. GRCh37 (hg19) VCF-style: chr8-11606446-C-T.
Other names: c.17C>T, p.Ser6Leu (NM_001374273.1, NM_001374274.1, NM_001308094.2); c.635C>T, p.Ser212Leu (NM_002052.5); short protein forms S212L, S6L, S213L.
Identifiers: ClinVar variation 2728732 (VCV002728732.3), dbSNP rs1350803700, ClinGen allele CA370312565.